The following is an entry in ClinVar:

ClinVar aggregate classification (germline): Uncertain significance. Review status: criteria provided, multiple submitters, no conflicts (2 of 4 stars). 2 submissions from 2 submitters: Uncertain significance (2). Last evaluated 2022-10-03.

Conditions:
Inborn genetic diseases. Identifiers: MedGen C0950123, MeSH D030342.
Cerebral folate transport deficiency. Also called: Neurodegenerative syndrome due to cerebral folate transport deficiency; FOLATE RECEPTOR DEFICIENCY; Cerebral folate deficiency syndrome; FOLR1-Related Cerebral Folate Transport Deficiency; NEURODEGENERATION DUE TO CEREBRAL FOLATE TRANSPORT DEFICIENCY. Identifiers: Orphanet 217382, MedGen C2751584, MONDO:0013110, OMIM 613068. Disease mechanism: loss of function.

Allele frequency attached by ClinVar (database versions not stated): gnomAD exomes below 0.00001.
gnomAD v4.1: 4 of 1,614,196 alleles (0.00025%); highest among the groups gnomAD compares: Non-Finnish European, 0.00034%; no homozygotes.

Submissions (2):

Ambry Genetics
Classification: Uncertain significance for Inborn genetic diseases. Last evaluated: 2022-10-03. Review status: criteria provided, single submitter. Criteria: Ambry Variant Classification Scheme 2023. Collection method: clinical testing. Allele origin: germline.

Labcorp Genetics (formerly Invitae), Labcorp
Classification: Uncertain significance for Cerebral folate transport deficiency. Last evaluated: 2021-08-26. Review status: criteria provided, single submitter. Criteria: Invitae Variant Classification Sherloc (09022015). Collection method: clinical testing. Allele origin: germline.
Comment: This sequence change replaces leucine with proline at codon 250 of the FOLR1 protein (p.Leu250Pro). The leucine residue is highly conserved and there is a moderate physicochemical difference between leucine and proline. This variant is not present in population databases (ExAC no frequency). This variant has not been reported in the literature in individuals affected with FOLR1-related conditions. Algorithms developed to predict the effect of missense changes on protein structure and function output the following: SIFT: "Tolerated"; PolyPhen-2: "Not Available"; Align-GVGD: "Class C0". The proline amino acid residue is found in multiple mammalian species, which suggests that this missense change does not adversely affect protein function. In summary, the available evidence is currently insufficient to determine the role of this variant in disease. Therefore, it has been classified as a Variant of Uncertain Significance.

NM_016729.3(FOLR1):c.749T>C (p.Leu250Pro)

Genes: FOLR1 (folate receptor alpha; plus strand), FOLR1-AS1 (FOLR1 antisense RNA 1; minus strand). Cytogenetic location: 11q13.4.
Variant type: single nucleotide variant.
Coding change: c.749T>C on transcript NM_016729.3 (MANE Select); coding-DNA position 749, T replaced by C.
Protein change: p.Leu250Pro; replaces leucine 250 with proline.
Molecular consequence: missense variant.
Genome position (GRCh38, 1-based): chr11:72,196,152, T>C. VCF-style: chr11-72196152-T-C. GRCh37 (hg19) VCF-style: chr11-71907196-T-C.
Other names: c.749T>C (NM_016725.2); c.749T>C, p.Leu250Pro (NM_000802.3, NM_016724.3, NM_016725.3); short protein forms L250P.
Identifiers: ClinVar variation 1060798 (VCV001060798.7), dbSNP rs1565366051, ClinGen allele CA381735537.